The following is an entry in ClinVar:

NM_000543.5(SMPD1):c.893T>C (p.Leu298Pro)

Gene: SMPD1 (sphingomyelin phosphodiesterase 1; plus strand). Cytogenetic location: 11p15.4.
Variant type: single nucleotide variant.
Coding change: c.893T>C on transcript NM_000543.5 (MANE Select); coding-DNA position 893, T replaced by C.
Protein change: p.Leu298Pro; replaces leucine 298 with proline.
Molecular consequence: missense variant. On other transcripts: 5 prime UTR variant (1), non-coding transcript variant (1).
Genome position (GRCh38, 1-based): chr11:6,391,958, T>C. VCF-style: chr11-6391958-T-C. GRCh37 (hg19) VCF-style: chr11-6413188-T-C.
Other names: c.890T>C, p.Leu297Pro (NM_001007593.3); c.893T>C, p.Leu298Pro (NM_001318087.2, NM_001365135.2); c.-69T>C (NM_001318088.2); short protein forms L297P, L298P.
Identifiers: ClinVar variation 992692 (VCV000992692.2), dbSNP rs1847940504, ClinGen allele CA379371233.

ClinVar aggregate classification (germline): Conflicting classifications of pathogenicity. Review status: criteria provided, conflicting classifications (1 of 4 stars). 2 submissions from 2 submitters: Likely pathogenic (1); Uncertain significance (1). Last evaluated 2024-04-23.

Conditions:
Niemann-Pick disease, type A. Also called: Infantile Neurovisceral ASMD (Niemann-Pick Disease Type A; NPD-A); SPHINGOMYELIN LIPIDOSIS; SPHINGOMYELINASE DEFICIENCY. Identifiers: Orphanet 77292, MedGen C0268242, MONDO:0009756, OMIM 257200. Disease mechanism: loss of function.
Niemann-Pick disease, type B. Also called: Chronic Visceral ASMD (Niemann-Pick Disease Type B; NPD-B). Identifiers: Orphanet 77293, MedGen C0268243, MONDO:0011871, OMIM 607616. Disease mechanism: loss of function.

Submissions (2):

Women's Health and Genetics/Laboratory Corporation of America, LabCorp
Classification: Uncertain significance. Last evaluated: 2024-04-23. Review status: criteria provided, single submitter. Criteria: LabCorp Variant Classification Summary - May 2015. Collection method: clinical testing. Allele origin: germline.
Comment: Variant summary: SMPD1 c.893T>C (p.Leu298Pro) results in a non-conservative amino acid change located in the Calcineurin-like phosphoesterase domain, ApaH type domain (IPR004843) of the encoded protein sequence. Four of four in-silico tools predict a damaging effect of the variant on protein function. The variant was absent in 251460 control chromosomes. The available data on variant occurrences in the general population are insufficient to allow any conclusion about variant significance. c.893T>C has been reported in the literature in at least one heterozygous individual affected with Niemann-Pick Disease (e.g. Hu_2020). This report does not provide unequivocal conclusions about association of the variant with Niemann-Pick Disease. To our knowledge, no experimental evidence demonstrating an impact on protein function has been reported. The following publication has been ascertained in the context of this evaluation (PMID: 33675270). ClinVar contains an entry for this variant (Variation ID: 992692). Based on the evidence outlined above, the variant was classified as uncertain significance.

Huiwen Zhang's lab, Shanghai Jiao Tong University School of Medicine, Xinhua Hospital
Classification: Likely pathogenic for Niemann-Pick disease, type A; Niemann-Pick disease, type B. Last evaluated: 2020-12-30. Review status: criteria provided, single submitter. Criteria: ACMG Guidelines, 2015. Collection method: clinical testing. Allele origin: inherited. Affected: yes.

Literature cited by the submitters: PubMed 33675270 (cited by Women's Health and Genetics/Laboratory Corporation of America, LabCorp).